The following is an entry in ClinVar:

NM_012254.3(SLC27A5):c.1892T>G (p.Ile631Ser)

Gene: SLC27A5 (solute carrier family 27 member 5; minus strand). Cytogenetic location: 19q13.43.
Variant type: single nucleotide variant.
Coding change: c.1892T>G on transcript NM_012254.3 (MANE Select); coding-DNA position 1892, T replaced by G.
Protein change: p.Ile631Ser; replaces isoleucine 631 with serine.
Molecular consequence: missense variant.
Genome position (GRCh38, 1-based): chr19:58,498,789, A>C on the plus strand (T>G on the coding strand, the complement: SLC27A5 is on the minus strand). VCF-style: chr19-58498789-A-C. GRCh37 (hg19) VCF-style: chr19-59010156-A-C.
Other names: c.1640T>G, p.Ile547Ser (NM_001321196.2); short protein forms I547S, I631S.
Identifiers: ClinVar variation 3163993 (VCV003163993.2), dbSNP rs779948431, ClinGen allele CA9717783.

ClinVar aggregate classification (germline): Uncertain significance. Review status: criteria provided, single submitter (1 of 4 stars). 2 submissions from 2 submitters: Uncertain significance (1). 1 of the submissions does not count toward it. Last evaluated 2023-12-11.

Conditions:
SLC27A5-related disorder. Also called: SLC27A5-related condition.

Allele frequency attached by ClinVar (database versions not stated): gnomAD 0.00002; TOPMed 0.00003.

Submissions (2):

Ambry Genetics
Classification: Uncertain significance. Last evaluated: 2023-12-11. Review status: criteria provided, single submitter. Criteria: Ambry Variant Classification Scheme 2023. Collection method: clinical testing. Allele origin: germline.

PreventionGenetics, part of Exact Sciences
Classification: Uncertain significance for SLC27A5-related condition. Last evaluated: 2024-03-29. Review status: no assertion criteria provided. Collection method: clinical testing. Allele origin: germline. Not counted in ClinVar's aggregate classification.
Comment: The SLC27A5 c.1892T>G variant is predicted to result in the amino acid substitution p.Ile631Ser. To our knowledge, this variant has not been reported in the literature. This variant is reported in 0.070% of alleles in individuals of East Asian descent in gnomAD. Although we suspect that this variant may be benign, at this time, the clinical significance of this variant is uncertain due to the absence of conclusive functional and genetic evidence.